The following is an entry in ClinVar:

NM_015141.4(GPD1L):c.475G>A (p.Ala159Thr)

Gene: GPD1L (glycerol-3-phosphate dehydrogenase 1 like; plus strand). Cytogenetic location: 3p22.3.
Variant type: single nucleotide variant.
Coding change: c.475G>A on transcript NM_015141.4 (MANE Select); coding-DNA position 475, G replaced by A.
Protein change: p.Ala159Thr; replaces alanine 159 with threonine.
Molecular consequence: missense variant.
Genome position (GRCh38, 1-based): chr3:32,140,336, G>A. VCF-style: chr3-32140336-G-A. GRCh37 (hg19) VCF-style: chr3-32181828-G-A.
Other names: short protein forms A159T.
Identifiers: ClinVar variation 1014993 (VCV001014993.5), dbSNP rs751567318, ClinGen allele CA2296652.

ClinVar aggregate classification (germline): Uncertain significance (1 of 4 stars; one submission).

Conditions:
Brugada syndrome. Also called: Sudden unexpected nocturnal death syndrome; Sudden Unexplained Death Syndrome; Sudden Unexplained Nocturnal Death Syndrome (SUNDS); Sudden unexplained nocturnal death syndrome. Identifiers: Orphanet 130, MedGen C1142166, MONDO:0015263.

Allele frequency attached by ClinVar (database versions not stated): gnomAD exomes below 0.00001; TOPMed below 0.00001; ExAC 0.00001; gnomAD 0.00001.
gnomAD v4.1: 2 of 1,614,068 alleles (0.00012%); highest among the groups gnomAD compares: Non-Finnish European, 0.00017%; no homozygotes.

Submission:

Labcorp Genetics (formerly Invitae), Labcorp
Classification: Uncertain significance for Brugada syndrome. Last evaluated: 2022-03-23. Review status: criteria provided, single submitter. Criteria: Invitae Variant Classification Sherloc (09022015). Collection method: clinical testing. Allele origin: germline.
Comment: Algorithms developed to predict the effect of missense changes on protein structure and function (SIFT, PolyPhen-2, Align-GVGD) all suggest that this variant is likely to be disruptive. ClinVar contains an entry for this variant (Variation ID: 1014993). This variant has not been reported in the literature in individuals affected with GPD1L-related conditions. This variant is present in population databases (rs751567318, gnomAD 0.0009%). This sequence change replaces alanine, which is neutral and non-polar, with threonine, which is neutral and polar, at codon 159 of the GPD1L protein (p.Ala159Thr). Algorithms developed to predict the effect of sequence changes on RNA splicing suggest that this variant may create or strengthen a splice site. In summary, the available evidence is currently insufficient to determine the role of this variant in disease. Therefore, it has been classified as a Variant of Uncertain Significance.